The following is an entry in ClinVar:

ClinVar aggregate classification (germline): Uncertain significance (1 of 4 stars; one submission).

Submission:

Labcorp Genetics (formerly Invitae), Labcorp
Classification: Uncertain significance. Last evaluated: 2025-12-18. Review status: criteria provided, single submitter. Criteria: Invitae Variant Classification Sherloc (09022015). Collection method: clinical testing. Allele origin: germline.
Comment: This sequence change replaces proline, which is neutral and non-polar, with arginine, which is basic and polar, at codon 289 of the AEBP1 protein (p.Pro289Arg). This variant is not present in population databases (gnomAD no frequency). This variant has not been reported in the literature in individuals affected with AEBP1-related conditions. An algorithm developed to predict the effect of missense changes on protein structure and function (PolyPhen-2) suggests that this variant is likely to be tolerated. In summary, the available evidence is currently insufficient to determine the role of this variant in disease. Therefore, it has been classified as a Variant of Uncertain Significance.

NM_001129.5(AEBP1):c.866C>G (p.Pro289Arg)

Gene: AEBP1 (AE binding protein 1; plus strand). Cytogenetic location: 7p13.
Variant type: single nucleotide variant.
Coding change: c.866C>G on transcript NM_001129.5 (MANE Select); coding-DNA position 866, C replaced by G.
Protein change: p.Pro289Arg; replaces proline 289 with arginine.
Molecular consequence: missense variant.
Genome position (GRCh38, 1-based): chr7:44,108,010, C>G. VCF-style: chr7-44108010-C-G. GRCh37 (hg19) VCF-style: chr7-44147609-C-G.
Other names: short protein forms P289R.
Identifiers: ClinVar variation 4733449 (VCV004733449.1).